The following is an entry in ClinVar:

ClinVar aggregate classification (germline): Uncertain significance (1 of 4 stars; one submission).

Conditions:
Multiple cutaneous and mucosal venous malformations (VMCM). Also called: TEK-Related Multiple Cutaneous and Mucosal Venous Malformations (VMCM). Identifiers: Orphanet 2451, MedGen C1838437, MONDO:0010842, OMIM 600195.

Submission:

Clinical Genomics Laboratory, Washington University in St. Louis
Classification: Uncertain significance for Multiple cutaneous and mucosal venous malformations. Last evaluated: 2024-07-16. Review status: criteria provided, single submitter. Criteria: ACMG Guidelines, 2015. Collection method: clinical testing. Allele origin: germline.
Comment: A TEK c.1362T>G (p.Ile454Met) variant was identified at an allelic fraction of 49.7%, a frequency which may be consistent with germline origin. This variant, to our knowledge, has not been reported in the medical literature. This variant is absent from the general population (gnomAD v.4.1.0), indicating it is not a common variant. Computational predictors suggest that the variant does not impact TEK function. Due to limited information, and based on ACMG/AMP guidelines for variant interpretation (Richards S et al., PMID: 25741868), the clinical significance of the TEK c.1362T>G (p.Ile454Met) variant is uncertain at this time.

NM_000459.5(TEK):c.1362T>G (p.Ile454Met)

Gene: TEK (TEK receptor tyrosine kinase; plus strand). Cytogenetic location: 9p21.2.
Variant type: single nucleotide variant.
Coding change: c.1362T>G on transcript NM_000459.5 (MANE Select); coding-DNA position 1362, T replaced by G.
Protein change: p.Ile454Met; replaces isoleucine 454 with methionine.
Molecular consequence: missense variant.
Genome position (GRCh38, 1-based): chr9:27,190,563, T>G. VCF-style: chr9-27190563-T-G. GRCh37 (hg19) VCF-style: chr9-27190561-T-G.
Other names: c.1233T>G, p.Ile411Met (NM_001290077.2, NM_001375476.1); c.921T>G, p.Ile307Met (NM_001290078.2); c.1362T>G, p.Ile454Met (NM_001375475.1); short protein forms I307M, I411M, I454M.
Identifiers: ClinVar variation 3600491 (VCV003600491.1).